The following is an entry in ClinVar:

NM_001130438.3(SPTAN1):c.4905+7C>T

Gene: SPTAN1 (spectrin alpha, non-erythrocytic 1; plus strand). Cytogenetic location: 9q34.11.
Variant type: single nucleotide variant.
Coding change: c.4905+7C>T on transcript NM_001130438.3 (MANE Select); 7 bases into the intron after coding-DNA position 4905, C replaced by T.
Molecular consequence: intron variant.
Genome position (GRCh38, 1-based): chr9:128,611,852, C>T. VCF-style: chr9-128611852-C-T. GRCh37 (hg19) VCF-style: chr9-131374131-C-T.
Other names: c.4905+7C>T (NM_001363759.2); c.4890+7C>T (NM_003127.4); c.4845+7C>T (NM_001363765.2); c.4830+7C>T (NM_001195532.2).
Identifiers: ClinVar variation 380271 (VCV000380271.11), dbSNP rs752304112, ClinGen allele CA5265318.

ClinVar aggregate classification (germline): Likely benign. Review status: criteria provided, multiple submitters, no conflicts (2 of 4 stars). 2 submissions from 2 submitters: Likely benign (2). Last evaluated 2025-10-17.

Conditions:
Early-infantile DEE. Also called: Ohtahara syndrome; Early infantile epileptic encephalopathy with suppression bursts; Early infantile epileptic encephalopathy. Identifiers: Orphanet 1934, MedGen C0393706, MONDO:0800491.

Allele frequency attached by ClinVar (database versions not stated): gnomAD exomes below 0.00001 and 0.00001; ExAC 0.00002; gnomAD 0.00003; TOPMed 0.00004.

Submissions (2):

Labcorp Genetics (formerly Invitae), Labcorp
Classification: Likely benign for Early-infantile DEE. Last evaluated: 2025-10-17. Review status: criteria provided, single submitter. Criteria: Invitae Variant Classification Sherloc (09022015). Collection method: clinical testing. Allele origin: germline.

GeneDx
Classification: Likely benign. Last evaluated: 2016-06-06. Review status: criteria provided, single submitter. Criteria: GeneDx Variant Classification (06012015). Collection method: clinical testing. Allele origin: germline. Affected: yes.
Comment: This variant is considered likely benign or benign based on one or more of the following criteria: it is a conservative change, it occurs at a poorly conserved position in the protein, it is predicted to be benign by multiple in silico algorithms, and/or has population frequency not consistent with disease.